The following is an entry in ClinVar:

NM_000053.4(ATP7B):c.2907G>C (p.Arg969=)

Gene: ATP7B (ATPase copper transporting beta; minus strand). Cytogenetic location: 13q14.3.
Variant type: single nucleotide variant.
Coding change: c.2907G>C on transcript NM_000053.4 (MANE Select); coding-DNA position 2907, G replaced by C.
Protein change: p.Arg969=; no amino-acid change (arginine 969 retained).
Molecular consequence: synonymous variant. On other transcripts: intron variant (6).
Genome position (GRCh38, 1-based): chr13:51,946,437, C>G on the plus strand (G>C on the coding strand, the complement: ATP7B is on the minus strand). VCF-style: chr13-51946437-C-G. GRCh37 (hg19) VCF-style: chr13-52520573-C-G.
Other names: c.2655G>C, p.Arg885= (NM_001406531.1, NM_001406532.1, NM_001330579.2); c.2619G>C, p.Arg873= (NM_001406534.1); c.2577G>C, p.Arg859= (NM_001406536.1); c.2673G>C, p.Arg891= (NM_001406538.1, NM_001330578.2, NM_001406527.1 and 1 more transcripts); c.2478G>C, p.Arg826= (NM_001406539.1); c.2421G>C, p.Arg807= (NM_001406541.1, NM_001406542.1); c.2559G>C, p.Arg853= (NM_001406543.1); c.2325G>C, p.Arg775= (NM_001406544.1); and 18 more.
Identifiers: ClinVar variation 3075604 (VCV003075604.1), dbSNP rs749689127, ClinGen allele CA483895010.

ClinVar aggregate classification (germline): Likely benign (1 of 4 stars; one submission).

Conditions:
Wilson disease (WND). Also called: Wilson's disease. Identifiers: Orphanet 905, MedGen C0019202, MONDO:0010200, OMIM 277900. Disease mechanism: loss of function.

Submission:

All of Us Research Program, National Institutes of Health
Classification: Likely benign for Wilson disease. Last evaluated: 2023-10-06. Review status: criteria provided, single submitter. Criteria: ACMG Guidelines, 2015. Collection method: clinical testing. Allele origin: germline. Inheritance: Autosomal recessive inheritance. Observed: 1 variant allele, 1 heterozygote.
Comment: This study involves interpretation of variants in research participants for the purpose of population health screening. Participant phenotype was not available at the time of variant classification. Additional details can be found in publication PMID: 35346344, PMCID: PMC8962531